The following is an entry in ClinVar:

ClinVar aggregate classification (germline): Uncertain significance. Review status: criteria provided, multiple submitters, no conflicts (2 of 4 stars). 2 submissions from 2 submitters: Uncertain significance (2). Last evaluated 2023-05-31.

Conditions:
Inborn genetic diseases. Identifiers: MedGen C0950123, MeSH D030342.

Allele frequency attached by ClinVar (database versions not stated): gnomAD exomes 0.00002; ExAC 0.00008; 1000 Genomes Project 30x 0.00016; 1000 Genomes Project 0.00020; TOPMed 0.00023; gnomAD 0.00029; ESP Exome Variant Server 0.00031.
gnomAD v4.1: 72 of 1,611,432 alleles (0.0045%); highest among the groups gnomAD compares: African/African-American, 0.095%; no homozygotes.

Submissions (2):

GeneDx
Classification: Uncertain significance. Last evaluated: 2023-05-31. Review status: criteria provided, single submitter. Criteria: GeneDx Variant Classification Process June 2021. Collection method: clinical testing. Allele origin: germline. Affected: yes.
Comment: In silico analysis supports that this missense variant has a deleterious effect on protein structure/function; Has not been previously published as pathogenic or benign to our knowledge

Ambry Genetics
Classification: Uncertain significance for Inborn genetic diseases. Last evaluated: 2022-07-12. Review status: criteria provided, single submitter. Criteria: Ambry Variant Classification Scheme 2023. Collection method: clinical testing. Allele origin: germline.

NM_016030.6(TRAPPC12):c.1586C>T (p.Thr529Ile)

Gene: TRAPPC12 (trafficking protein particle complex subunit 12; plus strand). Cytogenetic location: 2p25.3.
Variant type: single nucleotide variant.
Coding change: c.1586C>T on transcript NM_016030.6 (MANE Select); coding-DNA position 1586, C replaced by T.
Protein change: p.Thr529Ile; replaces threonine 529 with isoleucine.
Molecular consequence: missense variant.
Genome position (GRCh38, 1-based): chr2:3,457,676, C>T. VCF-style: chr2-3457676-C-T. GRCh37 (hg19) VCF-style: chr2-3461447-C-T.
Other names: c.1586C>T, p.Thr529Ile (NM_001321102.2); short protein forms T529I.
Identifiers: ClinVar variation 3181964 (VCV003181964.2), dbSNP rs142960119, ClinGen allele CA1515509.
Genomic context (GRCh38, chr2:3,457,676, plus strand): 5'-TGCAGATCCTGGCCAATTTGGAGCAAGGCTTAGCAGAAGACGGCGGCATGAGCAGCGTGA[C>T]TCAGGAGGGCAGACAAGGTGGGTCGGCCGGACTTTGCTGACTAGATGCTTCTCGGACATC-3'
Protein context (NP_057114.5, residues 519-539): LAEDGGMSSV[Thr529Ile]QEGRQASIRL